The following is an entry in ClinVar:

ClinVar aggregate classification (germline): Likely pathogenic. Review status: criteria provided, single submitter (1 of 4 stars). 3 submissions from 3 submitters: Likely pathogenic (1). 2 of the submissions do not count toward it. Last evaluated 2026-02-19.

Conditions:
Oculocerebrodental syndrome (OCSKD). Also called: OCULOSKELETODENTAL SYNDROME; CATARACTS, EARLY-ONSET, WITH SKELETAL AND DENTAL ANOMALIES. Identifiers: Orphanet 557003, MedGen C5193101, MONDO:0034145, OMIM 618440.
Short stature. Identifiers: MedGen C0349588, HP:0004322.
Fetal anomalies with a likely genetic cause.

Submissions (3):

Genetics Laboratory, Great Ormond Street Hospital NHS Foundation Trust, North Thames Genomic Laboratory Hub
Classification: Likely pathogenic for Fetal anomalies with a likely genetic cause. Last evaluated: 2026-02-19. Review status: criteria provided, single submitter. Criteria: ACGS Best Practice Guidelines for Variant Classification in Rare Disease 2024 v1.2. Collection method: clinical testing. Allele origin: germline. Affected: yes.
Comment: PM2_moderate, PVS1_strong

OMIM
Classification: Pathogenic for OCULOSKELETODENTAL SYNDROME. Last evaluated: 2019-05-21. Review status: no assertion criteria provided. Collection method: literature only. Allele origin: germline. Not counted in ClinVar's aggregate classification.

Institute of Human Genetics, FAU Erlangen, Friedrich-Alexander-Universität Erlangen-Nürnberg
Classification: Pathogenic for Short stature. Last evaluated: 2001-11-18. Review status: no assertion criteria provided. Collection method: case-control. Allele origin: unknown. Affected: yes. Not counted in ClinVar's aggregate classification.

Literature cited by the submitters: PubMed 31034465 (cited by OMIM).

NM_002645.4(PIK3C2A):c.1640+1G>T

Gene: PIK3C2A (phosphatidylinositol-4-phosphate 3-kinase catalytic subunit type 2 alpha; minus strand). Cytogenetic location: 11p15.1.
Variant type: single nucleotide variant.
Coding change: c.1640+1G>T on transcript NM_002645.4 (MANE Select); the canonical splice donor site of the intron after coding-DNA position 1640, G replaced by T.
Molecular consequence: splice donor variant.
Genome position (GRCh38, 1-based): chr11:17,145,862, C>A on the plus strand (G>T on the coding strand, the complement: PIK3C2A is on the minus strand). VCF-style: chr11-17145862-C-A. GRCh37 (hg19) VCF-style: chr11-17167409-C-A.
Other names: IVS6DS, G-T, +1; c.500+1G>T (NM_001321380.2); c.1640+1G>T (NM_001386870.1, NM_001321378.2).
Identifiers: ClinVar variation 599543 (VCV000599543.3), dbSNP rs1565272952, ClinGen allele CA379765862.
Genomic context (GRCh38, chr11:17,145,862, plus strand): 5'-AGTGTATTTGCATCCAAAAACAAAGTCTGAAAACCTGCAATTAATGCTTTAGATGATATA[C>A]CTCGTCATGGCTTCTTTGCAAGGTTTTTCTATTTGATACAGGTGTTTGTTTAAATCCACG-3'